The following is an entry in ClinVar:

ClinVar aggregate classification (germline): Uncertain significance (1 of 4 stars; one submission).

Conditions:
Usher syndrome type 3B. Also called: USHER SYNDROME, TYPE IIIB. Identifiers: MedGen C3281066, MONDO:0013788, OMIM 614504.

Submission:

Labcorp Genetics (formerly Invitae), Labcorp
Classification: Uncertain significance for Usher syndrome type 3B. Last evaluated: 2022-12-25. Review status: criteria provided, single submitter. Criteria: Invitae Variant Classification Sherloc (09022015). Collection method: clinical testing. Allele origin: germline.
Comment: In summary, the available evidence is currently insufficient to determine the role of this variant in disease. Therefore, it has been classified as a Variant of Uncertain Significance. This sequence change replaces serine, which is neutral and polar, with arginine, which is basic and polar, at codon 50 of the HARS protein (p.Ser50Arg). This variant is not present in population databases (gnomAD no frequency). This variant has not been reported in the literature in individuals affected with HARS-related conditions. Algorithms developed to predict the effect of missense changes on protein structure and function (SIFT, PolyPhen-2, Align-GVGD) all suggest that this variant is likely to be tolerated.

NM_002109.6(HARS1):c.148A>C (p.Ser50Arg)

Gene: HARS1 (histidyl-tRNA synthetase 1; minus strand). Cytogenetic location: 5q31.3.
Variant type: single nucleotide variant.
Coding change: c.148A>C on transcript NM_002109.6 (MANE Select); coding-DNA position 148, A replaced by C.
Protein change: p.Ser50Arg; replaces serine 50 with arginine.
Molecular consequence: missense variant.
Genome position (GRCh38, 1-based): chr5:140,690,887, T>G on the plus strand (A>C on the coding strand, the complement: HARS1 is on the minus strand). VCF-style: chr5-140690887-T-G. GRCh37 (hg19) VCF-style: chr5-140070472-T-G.
Other names: c.148A>C, p.Ser50Arg (NM_001289093.2, NM_001258040.3, NM_001258041.3 and 2 more transcripts); c.61A>C, p.Ser21Arg (NM_001289094.2); short protein forms S21R, S50R.
Identifiers: ClinVar variation 2817817 (VCV002817817.3), dbSNP rs2481338749, ClinGen allele CA361191423.